The following is an entry in ClinVar:

NM_032043.3(BRIP1):c.633del (p.Gly212fs)

Gene: BRIP1 (BRCA1 interacting DNA helicase 1; minus strand). Cytogenetic location: 17q23.2.
Variant type: Deletion.
Coding change: c.633del on transcript NM_032043.3 (MANE Select); coding-DNA position 633, one base deleted (T; older notation c.633delT).
Protein change: p.Gly212fs; shifts the reading frame from glycine 212.
Molecular consequence: frameshift variant.
Genome position (GRCh38, 1-based): chr17:61,808,752, A deleted on the plus strand (T on the coding strand, the reverse complement: BRIP1 is on the minus strand). VCF-style (leftmost placement, unchanged base first): chr17-61808751-CA-C. GRCh37 (hg19) VCF-style: chr17-59886112-CA-C.
Other names: c.633delT (NM_032043.2); short protein forms G212fs.
Identifiers: ClinVar variation 232527 (VCV000232527.42), dbSNP rs779466229, ClinGen allele CA8690870.

ClinVar aggregate classification (germline): Pathogenic. Review status: criteria provided, multiple submitters, no conflicts (2 of 4 stars). 9 submissions from 9 submitters: Pathogenic (8). 1 of the submissions does not count toward it. Last evaluated 2026-05-21.

Conditions:
Inherited ovarian cancer (without breast cancer).
Hereditary cancer-predisposing syndrome. Also called: Hereditary neoplastic syndrome; Neoplastic Syndromes, Hereditary; Hereditary Cancer Syndrome; Tumor predisposition. Identifiers: Orphanet 140162, MedGen C0027672, MeSH D009386, MONDO:0015356.
Ovarian cancer. Also called: OVARIAN CANCER, SOMATIC. Identifiers: Orphanet 213500, MedGen C1140680, MONDO:0008170, OMIM 167000.
Familial cancer of breast. Also called: Hereditary breast cancer; BREAST CANCER, FAMILIAL; hereditary breast carcinoma. Identifiers: Orphanet 227535, MedGen C0346153, MONDO:0016419, OMIM 114480. Disease mechanism: loss of function.
Fanconi anemia complementation group J. Also called: BRIP1-Related Fanconi Anemia. Identifiers: Orphanet 84, MedGen C1836860, MONDO:0012187, OMIM 609054.

Allele frequency attached by ClinVar (database versions not stated): gnomAD exomes 0.00002 and below 0.00001; TOPMed below 0.00001; ExAC 0.00002.

Submissions (9):

Genetics Laboratory, Great Ormond Street Hospital NHS Foundation Trust, North Thames Genomic Laboratory Hub
Classification: Pathogenic for Inherited ovarian cancer (without breast cancer). Last evaluated: 2026-05-21. Review status: criteria provided, single submitter. Criteria: CanVIG Consensus Spec V3.0. Collection method: clinical testing. Allele origin: germline. Affected: yes.
Comment: PS4_supporting, PM2_supporting, PVS1_very-strong

Labcorp Genetics (formerly Invitae), Labcorp
Classification: Pathogenic for Familial cancer of breast; Fanconi anemia complementation group J. Last evaluated: 2025-11-10. Review status: criteria provided, single submitter. Criteria: Invitae Variant Classification Sherloc (09022015). Collection method: clinical testing. Allele origin: germline.
Comment: This sequence change creates a premature translational stop signal (p.Gly212Alafs*62) in the BRIP1 gene. It is expected to result in an absent or disrupted protein product. Loss-of-function variants in BRIP1 are known to be pathogenic (PMID: 16116423, 17033622, 21964575). This variant is present in population databases (rs779466229, gnomAD 0.004%). This premature translational stop signal has been observed in individual(s) with breast and/or ovarian cancer (PMID: 26911350, 29470806). ClinVar contains an entry for this variant (Variation ID: 232527). For these reasons, this variant has been classified as Pathogenic.

Baylor Genetics
Classification: Pathogenic for Familial cancer of breast. Last evaluated: 2023-10-26. Review status: criteria provided, single submitter. Criteria: ACMG Guidelines, 2015. Collection method: clinical testing. Allele origin: unknown.

Quest Diagnostics Nichols Institute San Juan Capistrano
Classification: Pathogenic. Last evaluated: 2023-09-05. Review status: criteria provided, single submitter. Criteria: Quest Diagnostics criteria. Collection method: clinical testing. Allele origin: unknown.
Comment: The BRIP1 c.633del (p.Gly212Alafs*62) variant alters the translational reading frame of the BRIP1 mRNA and causes the premature termination of BRIP1 protein synthesis. This variant has been reported in the published literature in affected individuals with breast and/or ovarian cancer (PMIDs: 26911350 (2016) and 29470806 (2018)), as well as in a breast cancer case and control individuals in a large scale breast cancer association study (PMID: 33471991 (2021), see also LOVD). The frequency of this variant in the general population, 0.000035 (4/112786 chromosomes (Genome Aggregation Database)), is consistent with pathogenicity. Based on the available information, this variant is classified as pathogenic.

Myriad Genetics, Inc.
Classification: Pathogenic for Familial cancer of breast. Last evaluated: 2023-05-31. Review status: criteria provided, single submitter. Criteria: Myriad Autosomal Dominant, Autosomal Recessive and X-Linked Classification Criteria (2023). Collection method: clinical testing. Allele origin: unknown.
Comment: This variant is considered pathogenic. This variant creates a frameshift predicted to result in premature protein truncation.

Ambry Genetics
Classification: Pathogenic for Hereditary cancer-predisposing syndrome. Last evaluated: 2022-09-07. Review status: criteria provided, single submitter. Criteria: Ambry Variant Classification Scheme 2023. Collection method: clinical testing. Allele origin: germline.
Comment: The c.633delT pathogenic mutation, located in coding exon 6 of the BRIP1 gene, results from a deletion of one nucleotide at nucleotide position 633, causing a translational frameshift with a predicted alternate stop codon (p.G212Afs*62). This mutation has been reported in an individual diagnosed with ovarian cancer and with a family history including breast cancer (Mannan AU et al. J. Hum. Genet. 2016 Jun;61:515-22). In addition to the clinical data presented in the literature, this alteration is expected to result in loss of function by premature protein truncation or nonsense-mediated mRNA decay. As such, this alteration is interpreted as a disease-causing mutation.

GeneDx
Classification: Pathogenic. Last evaluated: 2022-06-28. Review status: criteria provided, single submitter. Criteria: GeneDx Variant Classification Process June 2021. Collection method: clinical testing. Allele origin: germline. Affected: yes.
Comment: Frameshift variant predicted to result in protein truncation or nonsense mediated decay in a gene for which loss-of-function is a known mechanism of disease; Not observed at significant frequency in large population cohorts (gnomAD); This variant is associated with the following publications: (PMID: 26921362, 26911350, 29470806, 29922827)

ARUP Laboratories, Molecular Genetics and Genomics, ARUP Laboratories
Classification: Pathogenic. Last evaluated: 2020-03-12. Review status: criteria provided, single submitter. Criteria: ARUP Molecular Germline Variant Investigation Process. Collection method: clinical testing. Allele origin: germline.
Comment: The BRIP1 c.633delT; p.Gly212AlafsTer62 variant (rs779466229) is reported in the literature in individuals from breast and/or ovarian cancer cohorts (Mannan 2016, Singh 2018). This variant is also reported as pathogenic in ClinVar (Variation ID: 232527). It is found in the general population with a low overall allele frequency of 0.002% (4/249344 alleles) in the Genome Aggregation Database. This variant causes a frameshift by deleting a single nucleotide, so it is predicted to result in a truncated protein or mRNA subject to nonsense-mediated decay. Based on available information, this variant is considered to be pathogenic. REFERENCES Mannan AU et al. Detection of high frequency of mutations in a breast and/or ovarian cancer cohort: implications of embracing a multi-gene panel in molecular diagnosis in India. J Hum Genet. 2016 Jun;61(6):515-22. Singh J et al. Screening of over 1000 Indian patients with breast and/or ovarian cancer with a multi-gene panel: prevalence of BRCA1/2 and non-BRCA mutations. Breast Cancer Res Treat. 2018 Jul;170(1):189-196.

BRCAlab, Lund University
Classification: Pathogenic for Ovarian cancer. Last evaluated: 2022-08-26. Review status: no assertion criteria provided. Collection method: clinical testing. Allele origin: germline. Affected: yes. Not counted in ClinVar's aggregate classification.

Literature cited by the submitters: PubMed 16116423 (cited by Labcorp Genetics (formerly Invitae), Labcorp); PubMed 17033622 (cited by Labcorp Genetics (formerly Invitae), Labcorp); PubMed 21964575 (cited by Labcorp Genetics (formerly Invitae), Labcorp); PubMed 26911350 (cited by 3 submitters); PubMed 29470806 (cited by Labcorp Genetics (formerly Invitae), Labcorp and Quest Diagnostics Nichols Institute San Juan Capistrano); PubMed 29922827 (cited by Quest Diagnostics Nichols Institute San Juan Capistrano); PubMed 33471991 (cited by Quest Diagnostics Nichols Institute San Juan Capistrano).